The following is an entry in ClinVar:

ClinVar aggregate classification (germline): Likely benign (1 of 4 stars; one submission).

gnomAD v4.1: 38 of 1,548,062 alleles (0.0025%); highest among the groups gnomAD compares: Non-Finnish European, 0.0032%; no homozygotes.

Submission:

CeGaT Center for Human Genetics Tuebingen
Classification: Likely benign. Last evaluated: 2022-06-01. Review status: criteria provided, single submitter. Criteria: CeGaT Center For Human Genetics Tuebingen Variant Classification Criteria Version 2. Collection method: clinical testing. Allele origin: germline. Affected: yes. Observed: 1 variant allele.
Comment: MYH7B: BP4, BP7

NM_020884.7(MYH7B):c.3276C>G (p.Ser1092=)

Gene: MYH7B (myosin heavy chain 7B; plus strand). Cytogenetic location: 20q11.22.
Variant type: single nucleotide variant.
Coding change: c.3276C>G on transcript NM_020884.7 (MANE Select); coding-DNA position 3276, C replaced by G.
Protein change: p.Ser1092=; no amino-acid change (serine 1092 retained).
Molecular consequence: synonymous variant.
Genome position (GRCh38, 1-based): chr20:34,997,092, C>G. VCF-style: chr20-34997092-C-G. GRCh37 (hg19) VCF-style: chr20-33584895-C-G.
Identifiers: ClinVar variation 2652271 (VCV002652271.24), dbSNP rs772942896, ClinGen allele CA9827694.